The following is an entry in ClinVar:

NM_024675.4(PALB2):c.3298A>G (p.Thr1100Ala)

Gene: PALB2 (partner and localizer of BRCA2; minus strand). Cytogenetic location: 16p12.2.
Variant type: single nucleotide variant.
Coding change: c.3298A>G on transcript NM_024675.4 (MANE Select); coding-DNA position 3298, A replaced by G.
Protein change: p.Thr1100Ala; replaces threonine 1100 with alanine.
Molecular consequence: missense variant.
Genome position (GRCh38, 1-based): chr16:23,607,916, T>C on the plus strand (A>G on the coding strand, the complement: PALB2 is on the minus strand). VCF-style: chr16-23607916-T-C. GRCh37 (hg19) VCF-style: chr16-23619237-T-C.
Other names: short protein forms T1100A.
Identifiers: ClinVar variation 1041270 (VCV001041270.9), dbSNP rs1966507619, ClinGen allele CA395139517.

ClinVar aggregate classification (germline): Uncertain significance (1 of 4 stars; one submission).

Conditions:
Familial cancer of breast. Also called: hereditary breast carcinoma; Hereditary breast cancer; BREAST CANCER, FAMILIAL. Identifiers: Orphanet 227535, MedGen C0346153, MONDO:0016419, OMIM 114480. Disease mechanism: loss of function.

Submission:

Labcorp Genetics (formerly Invitae), Labcorp
Classification: Uncertain significance for Familial cancer of breast. Last evaluated: 2020-05-13. Review status: criteria provided, single submitter. Criteria: Invitae Variant Classification Sherloc (09022015). Collection method: clinical testing. Allele origin: germline.
Comment: In summary, the available evidence is currently insufficient to determine the role of this variant in disease. Therefore, it has been classified as a Variant of Uncertain Significance. Algorithms developed to predict the effect of missense changes on protein structure and function output the following: SIFT: "Tolerated"; PolyPhen-2: "Benign"; Align-GVGD: "Class C0". The alanine amino acid residue is found in multiple mammalian species, suggesting that this missense change does not adversely affect protein function. These predictions have not been confirmed by published functional studies and their clinical significance is uncertain. This variant has not been reported in the literature in individuals with PALB2-related conditions. This variant is not present in population databases (ExAC no frequency). This sequence change replaces threonine with alanine at codon 1100 of the PALB2 protein (p.Thr1100Ala). The threonine residue is weakly conserved and there is a small physicochemical difference between threonine and alanine.